The following is an entry in ClinVar:

NM_001378454.1(ALMS1):c.60G>A (p.Glu20=)

Gene: ALMS1 (ALMS1 centrosome and basal body associated protein; plus strand). Cytogenetic location: 2p13.1.
Variant type: single nucleotide variant.
Coding change: c.60G>A on transcript NM_001378454.1 (MANE Select); coding-DNA position 60, G replaced by A.
Protein change: p.Glu20=; no amino-acid change (glutamic acid 20 retained).
Molecular consequence: synonymous variant.
Genome position (GRCh38, 1-based): chr2:73,385,928, G>A. VCF-style: chr2-73385928-G-A. GRCh37 (hg19) VCF-style: chr2-73613056-G-A.
Other names: c.63G>A, p.Glu21= (NM_015120.4).
Identifiers: ClinVar variation 412662 (VCV000412662.41), dbSNP rs183407241, ClinGen allele CA16611204.

ClinVar aggregate classification (germline): Likely benign. Review status: criteria provided, multiple submitters, no conflicts (2 of 4 stars). 6 submissions from 6 submitters: Likely benign (6). Last evaluated 2026-01-27.

Conditions:
Cardiovascular phenotype. Identifiers: MedGen CN230736.
Alstrom syndrome (ALMS). Identifiers: Orphanet 64, MedGen C0268425, MONDO:0008763, OMIM 203800.

Allele frequency attached by ClinVar (database versions not stated): gnomAD exomes 0.00001 and 0.00005.
gnomAD v4.1: 5 of 1,048,480 alleles (0.00048%); highest among the groups gnomAD compares: Admixed American, 0.002%; no homozygotes.

Submissions (6):

Labcorp Genetics (formerly Invitae), Labcorp
Classification: Likely benign for Alstrom syndrome. Last evaluated: 2026-01-27. Review status: criteria provided, single submitter. Criteria: Invitae Variant Classification Sherloc (09022015). Collection method: clinical testing. Allele origin: germline.

Ambry Genetics
Classification: Likely benign for Cardiovascular phenotype. Last evaluated: 2024-07-18. Review status: criteria provided, single submitter. Criteria: Ambry Variant Classification Scheme 2023. Collection method: clinical testing. Allele origin: germline.

CeGaT Center for Human Genetics Tuebingen
Classification: Likely benign. Last evaluated: 2024-06-01. Review status: criteria provided, single submitter. Criteria: CeGaT Center For Human Genetics Tuebingen Variant Classification Criteria Version 2. Collection method: clinical testing. Allele origin: germline. Affected: yes. Observed: 2 variant alleles.
Comment: ALMS1: BP4, BP7

GeneDx
Classification: Likely benign. Last evaluated: 2021-06-21. Review status: criteria provided, single submitter. Criteria: GeneDx Variant Classification Process June 2021. Collection method: clinical testing. Allele origin: germline. Affected: yes.

Women's Health and Genetics/Laboratory Corporation of America, LabCorp
Classification: Likely benign. Last evaluated: 2021-04-15. Review status: criteria provided, single submitter. Criteria: LabCorp Variant Classification Summary - May 2015. Collection method: clinical testing. Allele origin: germline.

Breakthrough Genomics
Classification: Likely benign. Review status: criteria provided, single submitter. Criteria: ACMG Guidelines, 2015. Collection method: not provided. Allele origin: germline. Inheritance: Autosomal recessive inheritance. Affected: yes.